The following is an entry in ClinVar:

NM_002519.3(NPAT):c.3750A>G (p.Ile1250Met)

Gene: NPAT (nuclear protein, coactivator of histone transcription; minus strand). Cytogenetic location: 11q22.3.
Variant type: single nucleotide variant.
Coding change: c.3750A>G on transcript NM_002519.3 (MANE Select); coding-DNA position 3750, A replaced by G.
Protein change: p.Ile1250Met; replaces isoleucine 1250 with methionine.
Molecular consequence: missense variant.
Genome position (GRCh38, 1-based): chr11:108,161,336, T>C on the plus strand (A>G on the coding strand, the complement: NPAT is on the minus strand). VCF-style: chr11-108161336-T-C. GRCh37 (hg19) VCF-style: chr11-108032063-T-C.
Other names: c.3771A>G, p.Ile1257Met (NM_001321307.1); c.3750A>G (NM_002519.2); short protein forms I1250M, I1257M.
Identifiers: ClinVar variation 2415890 (VCV002415890.7), dbSNP rs1162660456, ClinGen allele CA382510127.

ClinVar aggregate classification (germline): Uncertain significance. Review status: criteria provided, multiple submitters, no conflicts (2 of 4 stars). 2 submissions from 2 submitters: Uncertain significance (2). Last evaluated 2025-09-10.

Allele frequency attached by ClinVar (database versions not stated): gnomAD exomes below 0.00001; TOPMed below 0.00001.
gnomAD v4.1: 3 of 1,614,232 alleles (0.00019%); highest among the groups gnomAD compares: Non-Finnish European, 0.00025%; no homozygotes.

Submissions (2):

Ambry Genetics
Classification: Uncertain significance. Last evaluated: 2025-09-10. Review status: criteria provided, single submitter. Criteria: Ambry Variant Classification Scheme 2023. Collection method: clinical testing. Allele origin: germline.

Labcorp Genetics (formerly Invitae), Labcorp
Classification: Uncertain significance. Last evaluated: 2023-10-29. Review status: criteria provided, single submitter. Criteria: Invitae Variant Classification Sherloc (09022015). Collection method: clinical testing. Allele origin: germline.
Comment: This sequence change replaces isoleucine, which is neutral and non-polar, with methionine, which is neutral and non-polar, at codon 1250 of the NPAT protein (p.Ile1250Met). This variant is not present in population databases (gnomAD no frequency). This variant has not been reported in the literature in individuals affected with NPAT-related conditions. ClinVar contains an entry for this variant (Variation ID: 2415890). An algorithm developed to predict the effect of missense changes on protein structure and function (PolyPhen-2) suggests that this variant is likely to be tolerated. In summary, the available evidence is currently insufficient to determine the role of this variant in disease. Therefore, it has been classified as a Variant of Uncertain Significance.